The following is an entry in ClinVar:

ClinVar aggregate classification (germline): Likely pathogenic (1 of 4 stars; one submission).

Conditions:
Autosomal recessive nonsyndromic hearing loss 84A. Also called: DEAFNESS, AUTOSOMAL RECESSIVE 84A; DEAFNESS, AUTOSOMAL RECESSIVE 84A, WITH VESTIBULAR DYSFUNCTION. Identifiers: Orphanet 90636, MedGen C3150654, MONDO:0013249, OMIM 613391.

Submission:

Juno Genomics, Hangzhou Juno Genomics, Inc
Classification: Likely pathogenic for Autosomal recessive nonsyndromic hearing loss 84A. Review status: criteria provided, single submitter. Criteria: ACMG Guidelines, 2015. Collection method: clinical testing. Allele origin: germline.
Comment: Null variant in a gene where loss of function (LOF) is a known mechanism of disease.;Absent from controls (or at extremely low frequency if recessive) in Genome Aggregation Database.

NM_001145026.2(PTPRQ):c.940del (p.Thr314fs)

Gene: PTPRQ (protein tyrosine phosphatase receptor type Q; plus strand). Cytogenetic location: 12q21.31.
Variant type: Deletion.
Coding change: c.940del on transcript NM_001145026.2 (MANE Select); coding-DNA position 940, one base deleted (A; older notation c.940delA).
Protein change: p.Thr314fs; shifts the reading frame from threonine 314.
Molecular consequence: frameshift variant.
Genome position (GRCh38, 1-based): chr12:80,468,739, A deleted; the last of 2 consecutive A bases (chr12:80,468,738-80,468,739); deleting either gives the same sequence. VCF-style (leftmost placement, unchanged base first): chr12-80468737-TA-T. GRCh37 (hg19) VCF-style: chr12-80862516-TA-T.
Other names: short protein forms T314fs.
Identifiers: ClinVar variation 5005179 (VCV005005179.2).